The following is an entry in ClinVar:

NM_005035.4(POLRMT):c.2619C>T (p.Asp873=)

Gene: POLRMT (RNA polymerase mitochondrial; minus strand). Cytogenetic location: 19p13.3.
Variant type: single nucleotide variant.
Coding change: c.2619C>T on transcript NM_005035.4 (MANE Select); coding-DNA position 2619, C replaced by T.
Protein change: p.Asp873=; no amino-acid change (aspartic acid 873 retained).
Molecular consequence: synonymous variant. On other transcripts: non-coding transcript variant (1).
Genome position (GRCh38, 1-based): chr19:621,079, G>A on the plus strand (C>T on the coding strand, the complement: POLRMT is on the minus strand). VCF-style: chr19-621079-G-A. GRCh37 (hg19) VCF-style: chr19-621079-G-A.
Other names: c.2619C>T, p.Asp873= (NM_001407805.1, NM_001407808.1, NM_001407812.1 and 4 more transcripts); c.2610C>T, p.Asp870= (NM_001407806.1, NM_001407809.1); c.2607C>T, p.Asp869= (NM_001407807.1, NM_001407810.1); c.2577C>T, p.Asp859= (NM_001407811.1, NM_001407813.1); c.2394C>T, p.Asp798= (NM_001407830.1, NM_001407832.1); c.2295C>T, p.Asp765= (NM_001407831.1, NM_001407833.1, NM_001407835.1 and 1 more transcripts); c.2286C>T, p.Asp762= (NM_001407834.1).
Identifiers: ClinVar variation 2648854 (VCV002648854.24), dbSNP rs200399941, ClinGen allele CA9019856.

ClinVar aggregate classification (germline): Likely benign (1 of 4 stars; one submission).

Allele frequency attached by ClinVar (database versions not stated): ESP Exome Variant Server 0.00015; gnomAD exomes 0.00016; TOPMed 0.00027; ExAC 0.00030.
gnomAD v4.1: 304 of 1,605,828 alleles (0.019%); highest among the groups gnomAD compares: African/African-American, 0.0055%; 1 homozygote.

Submission:

CeGaT Center for Human Genetics Tuebingen
Classification: Likely benign. Last evaluated: 2022-03-01. Review status: criteria provided, single submitter. Criteria: CeGaT Center For Human Genetics Tuebingen Variant Classification Criteria Version 2. Collection method: clinical testing. Allele origin: germline. Affected: yes. Observed: 1 variant allele.
Comment: POLRMT: BP4, BP7